The following is an entry in ClinVar:

NM_024741.3(ZNF408):c.740A>G (p.Lys247Arg)

Gene: ZNF408 (zinc finger protein 408; plus strand). Cytogenetic location: 11p11.2.
Variant type: single nucleotide variant.
Coding change: c.740A>G on transcript NM_024741.3 (MANE Select); coding-DNA position 740, A replaced by G.
Protein change: p.Lys247Arg; replaces lysine 247 with arginine.
Molecular consequence: missense variant.
Genome position (GRCh38, 1-based): chr11:46,704,440, A>G. VCF-style: chr11-46704440-A-G. GRCh37 (hg19) VCF-style: chr11-46725990-A-G.
Other names: c.716A>G, p.Lys239Arg (NM_001184751.2); short protein forms K247R, K239R.
Identifiers: ClinVar variation 392405 (VCV000392405.3), dbSNP rs754488553, ClinGen allele CA5966423.

ClinVar aggregate classification (germline): Uncertain significance. Review status: criteria provided, multiple submitters, no conflicts (2 of 4 stars). 2 submissions from 2 submitters: Uncertain significance (2). Last evaluated 2024-05-22.

Allele frequency attached by ClinVar (database versions not stated): gnomAD exomes below 0.00001; ExAC 0.00001.
gnomAD v4.1: 1 of 1,614,140 alleles (0.000062%); highest among the groups gnomAD compares: East Asian, 0.0022%; no homozygotes.

Submissions (2):

Blueprint Genetics
Classification: Uncertain significance. Last evaluated: 2024-05-22. Review status: criteria provided, single submitter. Criteria: ACMG Guidelines, 2015. Collection method: clinical testing. Allele origin: germline.

GeneDx
Classification: Uncertain significance. Last evaluated: 2017-01-17. Review status: criteria provided, single submitter. Criteria: GeneDx Variant Classification (06012015). Collection method: clinical testing. Allele origin: germline. Affected: yes.
Comment: The K247R variant in the ZNF408 gene has not been reported previously as a pathogenic variant nor as a benign variant, to our knowledge. The K247R variant was not observed in approximately 6500 individuals of European and African American ancestry in the NHLBI Exome Sequencing Project, indicating it is not a common benign variant in these populations. The K247R variant is a conservative amino acid substitution, which is not likely to impact secondary protein structure as these residues share similar properties. This substitution occurs at a position that is not conserved. In silico analysis predicts this variant likely does not alter the protein structure/function. We interpret K247R as a variant of uncertain significance.